The following is an entry in ClinVar:

ClinVar aggregate classification (germline): Benign. Review status: criteria provided, multiple submitters, no conflicts (2 of 4 stars). 5 submissions from 5 submitters: Benign (4). 1 of the submissions does not count toward it. Last evaluated 2026-02-04.

Conditions:
ZMIZ1-related disorder. Also called: ZMIZ1-related condition.
Neurodevelopmental disorder with dysmorphic facies and distal skeletal anomalies. Identifiers: MedGen C5231448, MONDO:0032855, OMIM 618659.

Allele frequency attached by ClinVar (database versions not stated): gnomAD exomes 0.48729 and 0.50872; ExAC 0.52286; ESP Exome Variant Server 0.52984; TOPMed 0.53753; gnomAD 0.53860 and 0.53906; 1000 Genomes Project 0.59006; 1000 Genomes Project 30x 0.59010.
gnomAD v4.1: 792,406 of 1,610,622 alleles (49%); highest among the groups gnomAD compares: East Asian, 69%; 198,914 homozygotes.

Submissions (5):

Labcorp Genetics (formerly Invitae), Labcorp
Classification: Benign. Last evaluated: 2026-02-04. Review status: criteria provided, single submitter. Criteria: Invitae Variant Classification Sherloc (09022015). Collection method: clinical testing. Allele origin: germline.

Genome-Nilou Lab
Classification: Benign for Neurodevelopmental disorder with dysmorphic facies and distal skeletal anomalies. Last evaluated: 2021-12-05. Review status: criteria provided, single submitter. Criteria: ACMG Guidelines, 2015. Collection method: clinical testing. Allele origin: germline. Affected: no.

GeneDx
Classification: Benign. Last evaluated: 2019-03-16. Review status: criteria provided, single submitter. Criteria: GeneDx Variant Classification Process June 2021. Collection method: clinical testing. Allele origin: germline. Affected: yes.

Breakthrough Genomics
Classification: Benign. Review status: criteria provided, single submitter. Criteria: ACMG Guidelines, 2015. Collection method: not provided. Allele origin: germline. Inheritance: Autosomal dominant inheritance. Affected: yes.

PreventionGenetics, part of Exact Sciences
Classification: Benign for ZMIZ1-related condition. Last evaluated: 2021-02-25. Review status: no assertion criteria provided. Collection method: clinical testing. Allele origin: germline. Not counted in ClinVar's aggregate classification.
Comment: This variant is classified as benign based on ACMG/AMP sequence variant interpretation guidelines (Richards et al. 2015 PMID: 25741868, with internal and published modifications).

NM_020338.4(ZMIZ1):c.1809-15T>C

Gene: ZMIZ1 (zinc finger MIZ-type containing 1; plus strand). Cytogenetic location: 10q22.3.
Variant type: single nucleotide variant.
Coding change: c.1809-15T>C on transcript NM_020338.4 (MANE Select); 15 bases into the intron before coding-DNA position 1809, T replaced by C.
Molecular consequence: intron variant.
Genome position (GRCh38, 1-based): chr10:79,300,717, T>C. VCF-style: chr10-79300717-T-C. GRCh37 (hg19) VCF-style: chr10-81060474-T-C.
Other names: c.1809-15T>C (NM_020338.3).
Identifiers: ClinVar variation 1238812 (VCV001238812.15), dbSNP rs1250549, ClinGen allele CA5572823.